The following is an entry in ClinVar:

NM_006306.4(SMC1A):c.2320G>T (p.Asp774Tyr)

Gene: SMC1A (structural maintenance of chromosomes 1A; minus strand). Cytogenetic location: Xp11.22.
Variant type: single nucleotide variant.
Coding change: c.2320G>T on transcript NM_006306.4 (MANE Select); coding-DNA position 2320, G replaced by T.
Protein change: p.Asp774Tyr; replaces aspartic acid 774 with tyrosine.
Molecular consequence: missense variant.
Genome position (GRCh38, 1-based): chrX:53,403,666, C>A on the plus strand (G>T on the coding strand, the complement: SMC1A is on the minus strand). VCF-style: chrX-53403666-C-A. GRCh37 (hg19) VCF-style: chrX-53430598-C-A.
Other names: c.2254G>T, p.Asp752Tyr (NM_001281463.1); short protein forms D752Y, D774Y.
Identifiers: ClinVar variation 843372 (VCV000843372.10), dbSNP rs2075680329, ClinGen allele CA413251122.

ClinVar aggregate classification (germline): Likely pathogenic (1 of 4 stars; one submission).

Conditions:
Congenital muscular hypertrophy-cerebral syndrome (CDLS2). Also called: Cornelia de Lange syndrome 2; SMC1A-Related Cornelia de Lange Syndrome. Identifiers: Orphanet 199, MedGen C1802395, MONDO:0010370, OMIM 300590.

Submissions (2):

Labcorp Genetics (formerly Invitae), Labcorp
Classification: Likely pathogenic for Congenital muscular hypertrophy-cerebral syndrome. Last evaluated: 2019-12-19. Review status: criteria provided, single submitter. Criteria: Invitae Variant Classification Sherloc (09022015). Collection method: clinical testing. Allele origin: germline.
Comment: In summary, the currently available evidence indicates that the variant is pathogenic, but additional data are needed to prove that conclusively. Therefore, this variant has been classified as Likely Pathogenic. Algorithms developed to predict the effect of sequence changes on RNA splicing suggest that this variant may create or strengthen a splice site, but this prediction has not been confirmed by published transcriptional studies. Algorithms developed to predict the effect of missense changes on protein structure and function (SIFT, PolyPhen-2, Align-GVGD) all suggest that this variant is likely to be disruptive, but these predictions have not been confirmed by published functional studies and their clinical significance is uncertain. This variant has been observed in individual(s) with clinical features of Cornelia de Lange syndrome (Invitae). In at least one individual the variant was observed to be de novo. This variant is not present in population databases (ExAC no frequency). This sequence change replaces aspartic acid with tyrosine at codon 774 of the SMC1A protein (p.Asp774Tyr). The aspartic acid residue is highly conserved and there is a large physicochemical difference between aspartic acid and tyrosine.

Dr. Peter K. Rogan Lab, Western University
No classification provided (evidence only). Condition: Thyroid cancer, nonmedullary, 1. Review status: no classification provided. Collection method: in vitro. Allele origin: not applicable. Functional consequence: retained intron. Not counted in ClinVar's aggregate classification.